The following is an entry in ClinVar:

ClinVar aggregate classification (germline): Uncertain significance (1 of 4 stars; one submission).

Conditions:
Hereditary cancer-predisposing syndrome. Also called: Tumor predisposition; Hereditary neoplastic syndrome; Neoplastic Syndromes, Hereditary; Hereditary Cancer Syndrome. Identifiers: Orphanet 140162, MedGen C0027672, MeSH D009386, MONDO:0015356.

Allele frequency attached by ClinVar (database versions not stated): ExAC 0.00001.

Submission:

Labcorp Genetics (formerly Invitae), Labcorp
Classification: Uncertain significance for Hereditary cancer-predisposing syndrome. Last evaluated: 2022-10-20. Review status: criteria provided, single submitter. Criteria: Invitae Variant Classification Sherloc (09022015). Collection method: clinical testing. Allele origin: germline.
Comment: This variant has not been reported in the literature in individuals affected with RAD50-related conditions. This variant is not present in population databases (gnomAD no frequency). This sequence change replaces valine, which is neutral and non-polar, with isoleucine, which is neutral and non-polar, at codon 805 of the RAD50 protein (p.Val805Ile). Advanced modeling of protein sequence and biophysical properties (such as structural, functional, and spatial information, amino acid conservation, physicochemical variation, residue mobility, and thermodynamic stability) performed at Invitae indicates that this missense variant is not expected to disrupt RAD50 protein function. In summary, the available evidence is currently insufficient to determine the role of this variant in disease. Therefore, it has been classified as a Variant of Uncertain Significance.

NM_005732.4(RAD50):c.2413G>A (p.Val805Ile)

Gene: RAD50 (RAD50 double strand break repair protein; plus strand). Cytogenetic location: 5q31.1.
Variant type: single nucleotide variant.
Coding change: c.2413G>A on transcript NM_005732.4 (MANE Select); coding-DNA position 2413, G replaced by A.
Protein change: p.Val805Ile; replaces valine 805 with isoleucine.
Molecular consequence: missense variant.
Genome position (GRCh38, 1-based): chr5:132,603,935, G>A. VCF-style: chr5-132603935-G-A. GRCh37 (hg19) VCF-style: chr5-131939627-G-A.
Other names: short protein forms V805I.
Identifiers: ClinVar variation 2171924 (VCV002171924.4), dbSNP rs763684167, ClinGen allele CA3405393.
Genomic context (GRCh38, chr5:132,603,935, plus strand): 5'-ATGCAGTAAGTTTATTAAAGGAAATCATTTTGTTATATTCTTAAGATGGAACTTAAAGAT[G>A]TTGAAAGAAAAATTGCACAACAAGCAGCTAAGCTACAAGGAATAGACTTAGATCGAACTG-3'
Protein context (NP_005723.2, residues 795-815): MERFQMELKD[Val805Ile]ERKIAQQAAK